The following is an entry in ClinVar:

ClinVar aggregate classification (germline): Likely benign (1 of 4 stars; one submission).

Allele frequency attached by ClinVar (database versions not stated): gnomAD exomes below 0.00001; ExAC 0.00001.
gnomAD v4.1: 11 of 1,614,008 alleles (0.00068%); highest among the groups gnomAD compares: African/African-American, 0.0067%; no homozygotes.

Submission:

CeGaT Center for Human Genetics Tuebingen
Classification: Likely benign. Last evaluated: 2022-05-01. Review status: criteria provided, single submitter. Criteria: CeGaT Center For Human Genetics Tuebingen Variant Classification Criteria Version 2. Collection method: clinical testing. Allele origin: germline. Affected: yes. Observed: 1 variant allele.
Comment: EPX: BP4

NM_000502.6(EPX):c.910G>A (p.Ala304Thr)

Gene: EPX (eosinophil peroxidase; plus strand). Cytogenetic location: 17q22.
Variant type: single nucleotide variant.
Coding change: c.910G>A on transcript NM_000502.6 (MANE Select); coding-DNA position 910, G replaced by A.
Protein change: p.Ala304Thr; replaces alanine 304 with threonine.
Molecular consequence: missense variant.
Genome position (GRCh38, 1-based): chr17:58,197,047, G>A. VCF-style: chr17-58197047-G-A. GRCh37 (hg19) VCF-style: chr17-56274408-G-A.
Other names: short protein forms A304T.
Identifiers: ClinVar variation 2647954 (VCV002647954.24), dbSNP rs756362103, ClinGen allele CA8668595.